The following is an entry in ClinVar:

NM_000304.4(PMP22):c.319+1G>T

Gene: PMP22 (peripheral myelin protein 22; minus strand). Cytogenetic location: 17p12.
Variant type: single nucleotide variant.
Coding change: c.319+1G>T on transcript NM_000304.4 (MANE Select); the canonical splice donor site of the intron after coding-DNA position 319, G replaced by T.
Molecular consequence: splice donor variant.
Genome position (GRCh38, 1-based): chr17:15,239,470, C>A on the plus strand (G>T on the coding strand, the complement: PMP22 is on the minus strand). VCF-style: chr17-15239470-C-A. GRCh37 (hg19) VCF-style: chr17-15142787-C-A.
Other names: c.319+1G>T (NM_001281456.2, NM_153321.3, NM_001281455.2 and 2 more transcripts).
Identifiers: ClinVar variation 1458399 (VCV001458399.8), dbSNP rs1597607514, ClinGen allele CA398267376.

ClinVar aggregate classification (germline): Pathogenic (1 of 4 stars; one submission).

Conditions:
Charcot-Marie-Tooth disease, type I (CMT1). Also called: Charcot-Marie-Tooth disease type 1; Charcot-Marie-Tooth, Type 1. Identifiers: Orphanet 65753, MedGen C0751036, MONDO:0019011.

Submission:

Labcorp Genetics (formerly Invitae), Labcorp
Classification: Pathogenic for Charcot-Marie-Tooth disease, type I. Last evaluated: 2025-06-25. Review status: criteria provided, single submitter. Criteria: Invitae Variant Classification Sherloc (09022015). Collection method: clinical testing. Allele origin: germline.
Comment: This sequence change affects a donor splice site in intron 4 of the PMP22 gene. While this variant is not anticipated to result in nonsense mediated decay, it likely alters RNA splicing and results in a disrupted protein product. This variant is not present in population databases (gnomAD no frequency). Disruption of this splice site has been observed in individuals with Charcot-Marie-Tooth disease (PMID: 8012365, 12402337, 31211173). ClinVar contains an entry for this variant (Variation ID: 1458399). Variants that disrupt the consensus splice site are a relatively common cause of aberrant splicing (PMID: 17576681, 9536098). Algorithms developed to predict the effect of sequence changes on RNA splicing suggest that this variant may disrupt the consensus splice site. This variant disrupts a region of the PMP22 protein in which other variant(s) (p.Leu145Argfs*10) have been determined to be pathogenic (PMID: 21149811, 21252112, 23965407). This suggests that this is a clinically significant region of the protein, and that variants that disrupt it are likely to be disease-causing. For these reasons, this variant has been classified as Pathogenic.

Literature cited by the submitters: PubMed 8012365; PubMed 12402337; PubMed 31211173; PubMed 17576681; PubMed 9536098; PubMed 21149811; PubMed 21252112; PubMed 23965407.